The following is an entry in ClinVar:

NM_001079872.2(CUL4B):c.735C>T (p.Ile245=)

Gene: CUL4B (cullin 4B; minus strand). Cytogenetic location: Xq24.
Variant type: single nucleotide variant.
Coding change: c.735C>T on transcript NM_001079872.2 (MANE Select); coding-DNA position 735, C replaced by T.
Protein change: p.Ile245=; no amino-acid change (isoleucine 245 retained).
Molecular consequence: synonymous variant.
Genome position (GRCh38, 1-based): chrX:120,547,177, G>A on the plus strand (C>T on the coding strand, the complement: CUL4B is on the minus strand). VCF-style: chrX-120547177-G-A. GRCh37 (hg19) VCF-style: chrX-119681032-G-A.
Other names: c.750C>T, p.Ile250= (NM_001330624.2); c.201C>T, p.Ile67= (NM_001369145.1); c.789C>T, p.Ile263= (NM_003588.4).
Identifiers: ClinVar variation 4977752 (VCV004977752.1).

ClinVar aggregate classification (germline): Likely benign (1 of 4 stars; one submission).

Conditions:
CUL4B-related disorder. Also called: CUL4B-related condition.

Submission:

PreventionGenetics, part of Exact Sciences
Classification: Likely benign for CUL4B-related condition. Last evaluated: 2025-01-13. Review status: criteria provided, single submitter. Criteria: ACMG Guidelines, 2015. Collection method: clinical testing. Allele origin: germline.
Comment: This variant is classified as likely benign based on ACMG/AMP sequence variant interpretation guidelines (Richards et al. 2015 PMID: 25741868, with internal and published modifications).